The following is an entry in ClinVar:

NM_031471.6(FERMT3):c.140T>A (p.Leu47Gln)

Gene: FERMT3 (FERM domain containing kindlin 3; plus strand). Cytogenetic location: 11q13.1.
Variant type: single nucleotide variant.
Coding change: c.140T>A on transcript NM_031471.6 (MANE Select); coding-DNA position 140, T replaced by A.
Protein change: p.Leu47Gln; replaces leucine 47 with glutamine.
Molecular consequence: missense variant.
Genome position (GRCh38, 1-based): chr11:64,207,504, T>A. VCF-style: chr11-64207504-T-A. GRCh37 (hg19) VCF-style: chr11-63974976-T-A.
Other names: c.140T>A, p.Leu47Gln (NM_001382361.1, NM_001382362.1, NM_001382448.1 and 1 more transcripts); short protein forms L47Q.
Identifiers: ClinVar variation 843953 (VCV000843953.9), dbSNP rs1946338724, ClinGen allele CA381079752.

ClinVar aggregate classification (germline): Uncertain significance (1 of 4 stars; one submission).

Conditions:
Leukocyte adhesion deficiency 3. Also called: INTEGRIN ACTIVATION DEFICIENCY DISEASE; LEUKOCYTE ADHESION DEFICIENCY 1 VARIANT; Leukocyte adhesion deficiency, type III. Identifiers: Orphanet 2968, Orphanet 99844, MedGen C2748536, MONDO:0013016, OMIM 612840.

Submission:

Labcorp Genetics (formerly Invitae), Labcorp
Classification: Uncertain significance for Leukocyte adhesion deficiency 3. Last evaluated: 2019-02-10. Review status: criteria provided, single submitter. Criteria: Invitae Variant Classification Sherloc (09022015). Collection method: clinical testing. Allele origin: germline.
Comment: In summary, the available evidence is currently insufficient to determine the role of this variant in disease. Therefore, it has been classified as a Variant of Uncertain Significance. Algorithms developed to predict the effect of sequence changes on RNA splicing suggest that this variant may create or strengthen a splice site, but this prediction has not been confirmed by published transcriptional studies. Algorithms developed to predict the effect of missense changes on protein structure and function (SIFT, PolyPhen-2, Align-GVGD) all suggest that this variant is likely to be disruptive, but these predictions have not been confirmed by published functional studies and their clinical significance is uncertain. This variant has not been reported in the literature in individuals with FERMT3-related conditions. This variant is not present in population databases (ExAC no frequency). This sequence change replaces leucine with glutamine at codon 47 of the FERMT3 protein (p.Leu47Gln). The leucine residue is highly conserved and there is a moderate physicochemical difference between leucine and glutamine.